The following is an entry in ClinVar:

ClinVar aggregate classification (germline): Uncertain significance (1 of 4 stars; one submission).

Conditions:
Cardiovascular phenotype. Identifiers: MedGen CN230736.

Submissions (2):

Ambry Genetics
Classification: Uncertain significance for Cardiovascular phenotype. Last evaluated: 2025-08-12. Review status: criteria provided, single submitter. Criteria: Ambry Variant Classification Scheme 2023. Collection method: clinical testing. Allele origin: germline.
Comment: The p.I179V variant (also known as c.535A>G), located in coding exon 4 of the LIPA gene, results from an A to G substitution at nucleotide position 535. The isoleucine at codon 179 is replaced by valine, an amino acid with highly similar properties. This amino acid position is conserved. In addition, this alteration is predicted to be tolerated by in silico analysis. Based on the available evidence, the clinical significance of this variant remains unclear.

Dr. Peter K. Rogan Lab, Western University
No classification provided (evidence only). Condition: Sarcoma. Review status: no classification provided. Collection method: in vitro. Allele origin: not applicable. Functional consequence: retained intron. Not counted in ClinVar's aggregate classification.

NM_000235.4(LIPA):c.535A>G (p.Ile179Val)

Gene: LIPA (lipase A, lysosomal acid type; minus strand). Cytogenetic location: 10q23.31.
Variant type: single nucleotide variant.
Coding change: c.535A>G on transcript NM_000235.4 (MANE Select); coding-DNA position 535, A replaced by G.
Protein change: p.Ile179Val; replaces isoleucine 179 with valine.
Molecular consequence: missense variant.
Genome position (GRCh38, 1-based): chr10:89,226,898, T>C on the plus strand (A>G on the coding strand, the complement: LIPA is on the minus strand). VCF-style: chr10-89226898-T-C. GRCh37 (hg19) VCF-style: chr10-90986655-T-C.
Other names: NC_000010.10:g.90986655T>C; c.535A>G, p.Ile179Val (NM_001127605.3, NM_001440818.1, NM_001440829.1 and 16 more transcripts); c.187A>G, p.Ile63Val (NM_001288979.2); c.667A>G, p.Ile223Val (NM_001440836.1); c.556A>G, p.Ile186Val (NM_001440837.1); c.550A>G, p.Ile184Val (NM_001440838.1); c.367A>G, p.Ile123Val (NM_001440839.1); short protein forms I123V, I179V, I186V, I184V, I223V, I63V.
Identifiers: ClinVar variation 4098208 (VCV004098208.2).